The following is an entry in ClinVar:

ClinVar aggregate classification (germline): Uncertain significance (1 of 4 stars; one submission).

Allele frequency attached by ClinVar (database versions not stated): gnomAD exomes below 0.00001.
gnomAD v4.1: 1 of 1,613,290 alleles (0.000062%); highest among the groups gnomAD compares: Non-Finnish European, 0.000085%; no homozygotes.

Submission:

Labcorp Genetics (formerly Invitae), Labcorp
Classification: Uncertain significance. Last evaluated: 2021-10-12. Review status: criteria provided, single submitter. Criteria: Invitae Variant Classification Sherloc (09022015). Collection method: clinical testing. Allele origin: germline.
Comment: In summary, the available evidence is currently insufficient to determine the role of this variant in disease. Therefore, it has been classified as a Variant of Uncertain Significance. Algorithms developed to predict the effect of missense changes on protein structure and function are either unavailable or do not agree on the potential impact of this missense change (SIFT: "Deleterious"; PolyPhen-2: "Benign"; Align-GVGD: "Class C15"). This variant has not been reported in the literature in individuals affected with ARIH1-related conditions. This variant is not present in population databases (ExAC no frequency). This sequence change replaces serine with leucine at codon 179 of the ARIH1 protein (p.Ser179Leu). The serine residue is highly conserved and there is a large physicochemical difference between serine and leucine.

NM_005744.5(ARIH1):c.536C>T (p.Ser179Leu)

Gene: ARIH1 (ariadne RBR E3 ubiquitin protein ligase 1; plus strand). Cytogenetic location: 15q24.1.
Variant type: single nucleotide variant.
Coding change: c.536C>T on transcript NM_005744.5 (MANE Select); coding-DNA position 536, C replaced by T.
Protein change: p.Ser179Leu; replaces serine 179 with leucine.
Molecular consequence: missense variant.
Genome position (GRCh38, 1-based): chr15:72,544,912, C>T. VCF-style: chr15-72544912-C-T. GRCh37 (hg19) VCF-style: chr15-72837253-C-T.
Other names: short protein forms S179L.
Identifiers: ClinVar variation 1465233 (VCV001465233.6), dbSNP rs2140423929, ClinGen allele CA393235962.